The following is an entry in ClinVar:

ClinVar aggregate classification (germline): Uncertain significance (1 of 4 stars; one submission).

Conditions:
Deficiency of butyryl-CoA dehydrogenase (ACADSD). Also called: SCADH DEFICIENCY; SCAD Deficiency; SCAD DEFICIENCY, MILD; ACYL-CoA DEHYDROGENASE, SHORT-CHAIN, DEFICIENCY OF; ACADS DEFICIENCY; Short-Chain Acyl-CoA Dehydrogenase Deficiency. Identifiers: Orphanet 26792, MedGen C0342783, MONDO:0008722, OMIM 201470. Disease mechanism: May be benign.

Submission:

Labcorp Genetics (formerly Invitae), Labcorp
Classification: Uncertain significance for Deficiency of butyryl-CoA dehydrogenase. Last evaluated: 2025-02-17. Review status: criteria provided, single submitter. Criteria: Invitae Variant Classification Sherloc (09022015). Collection method: clinical testing. Allele origin: germline.
Comment: This variant, c.358_360del, results in the deletion of 1 amino acid(s) of the ACADS protein (p.Asn120del), but otherwise preserves the integrity of the reading frame. This variant is not present in population databases (gnomAD no frequency). This variant has not been reported in the literature in individuals affected with ACADS-related conditions. Experimental studies and prediction algorithms are not available or were not evaluated, and the functional significance of this variant is currently unknown. In summary, the available evidence is currently insufficient to determine the role of this variant in disease. Therefore, it has been classified as a Variant of Uncertain Significance.

NM_000017.4(ACADS):c.355AAC[1] (p.Asn120del)

Gene: ACADS (acyl-CoA dehydrogenase short chain; plus strand). Cytogenetic location: 12q24.31.
Variant type: Microsatellite.
Coding change: c.355AAC[1] on transcript NM_000017.4 (MANE Select); one copy of the 3-base unit AAC starting at c.355; the reference has two copies in a row; one copy, 3 bases deleted.
Protein change: p.Asn120del; deletes asparagine 120.
Molecular consequence: inframe deletion.
Genome position (GRCh38, 1-based): chr12:120,737,133-120,737,135, AAC deleted; deleting any 3 consecutive bases within chr12:120,737,129-120,737,135 gives the same sequence; the position shown is the placement nearest the transcript's 3' end. VCF-style (leftmost placement, unchanged base first): chr12-120737128-TCAA-T. GRCh37 (hg19) VCF-style: chr12-121174931-TCAA-T.
Other names: c.355AAC[1], p.Asn120del (NM_001302554.2); short protein forms N120del.
Identifiers: ClinVar variation 4747607 (VCV004747607.1).